The following is an entry in ClinVar:

ClinVar aggregate classification (germline): Conflicting classifications of pathogenicity. Review status: criteria provided, conflicting classifications (1 of 4 stars). 5 submissions from 5 submitters: Uncertain significance (4); Likely benign (1). Last evaluated 2025-10-24.

Conditions:
Ehlers-Danlos syndrome, type 4 (EDSVASC). Also called: Ehlers-Danlos syndrome vascular type; Ehlers Danlos syndrome, ecchymotic type; Ehlers Danlos syndrome, arterial type; Ehlers Danlos syndrome, Sack-Barabas type; Ehlers-Danlos Syndrome Type IV. Identifiers: Orphanet 286, MedGen C0268338, MONDO:0017314, OMIM 130050.
Familial thoracic aortic aneurysm and aortic dissection (TAAD). Also called: Thoracic aortic aneurysms and dissections. Identifiers: Orphanet 91387, MedGen C4707243, MONDO:0019625.

Allele frequency attached by ClinVar (database versions not stated): gnomAD exomes 0.00001; ExAC 0.00002; gnomAD 0.00002 and 0.00003; TOPMed 0.00002; 1000 Genomes Project 0.00020; 1000 Genomes Project 30x 0.00031.
gnomAD v4.1: 15 of 1,613,946 alleles (0.00093%); highest among the groups gnomAD compares: Admixed American, 0.005%; no homozygotes.

Submissions (5):

Color Diagnostics, LLC DBA Color Health
Classification: Likely benign for Familial thoracic aortic aneurysm and aortic dissection. Last evaluated: 2025-10-24. Review status: criteria provided, single submitter. Criteria: ACMG Guidelines, 2015. Collection method: clinical testing. Allele origin: germline.

Labcorp Genetics (formerly Invitae), Labcorp
Classification: Uncertain significance for Ehlers-Danlos syndrome, type 4. Last evaluated: 2025-07-14. Review status: criteria provided, single submitter. Criteria: Invitae Variant Classification Sherloc (09022015). Collection method: clinical testing. Allele origin: germline.
Comment: This sequence change replaces valine, which is neutral and non-polar, with isoleucine, which is neutral and non-polar, at codon 1460 of the COL3A1 protein (p.Val1460Ile). This variant is present in population databases (rs561556753, gnomAD 0.007%). This variant has not been reported in the literature in individuals affected with COL3A1-related conditions. ClinVar contains an entry for this variant (Variation ID: 519604). Invitae Evidence Modeling of protein sequence and biophysical properties (such as structural, functional, and spatial information, amino acid conservation, physicochemical variation, residue mobility, and thermodynamic stability) indicates that this missense variant is not expected to disrupt COL3A1 protein function with a negative predictive value of 95%. In summary, the available evidence is currently insufficient to determine the role of this variant in disease. Therefore, it has been classified as a Variant of Uncertain Significance.

GeneDx
Classification: Uncertain significance. Last evaluated: 2025-06-10. Review status: criteria provided, single submitter. Criteria: GeneDx Variant Classification Process June 2021. Collection method: clinical testing. Allele origin: germline.
Comment: Has not been previously published as pathogenic or benign to our knowledge; Not observed at significant frequency in large population cohorts (gnomAD); Not located in the triple helical region, where the majority of pathogenic missense variants occur (HGMD); In silico analysis supports that this missense variant does not alter protein structure/function

All of Us Research Program, National Institutes of Health
Classification: Uncertain significance for Ehlers-Danlos syndrome, type 4. Last evaluated: 2024-07-29. Review status: criteria provided, single submitter. Criteria: ACMG Guidelines, 2015. Collection method: clinical testing. Allele origin: germline. Inheritance: Autosomal dominant inheritance. Observed: 8 variant alleles, 8 heterozygotes.
Comment: This missense variant replaces valine with isoleucine at codon 1460 of the COL3A1 protein. Computational prediction suggests that this variant may not impact protein structure and function (internally defined REVEL score threshold <= 0.5, PMID: 27666373). To our knowledge, functional studies have not been reported for this variant. This variant has not been reported in individuals affected with COL3A1-related disorders in the literature. This variant has not been identified in the general population by the Genome Aggregation Database (gnomAD). The available evidence is insufficient to determine the role of this variant in disease conclusively. Therefore, this variant is classified as a Variant of Uncertain Significance.

This study involves interpretation of variants in research participants for the purpose of population health screening. Participant phenotype was not available at the time of variant classification. Additional details can be found in publication PMID: 35346344, PMCID: PMC8962531

Ambry Genetics
Classification: Uncertain significance for Familial thoracic aortic aneurysm and aortic dissection. Last evaluated: 2016-08-15. Review status: criteria provided, single submitter. Criteria: Ambry Variant Classification Scheme 2023. Collection method: clinical testing. Allele origin: germline.
Comment: The p.V1460I variant (also known as c.4378G>A), located in coding exon 51 of the COL3A1 gene, results from a G to A substitution at nucleotide position 4378. The valine at codon 1460 is replaced by isoleucine, an amino acid with highly similar properties. This variant was previously reported in the SNPDatabase as rs561556753. Based on data from ExAC, the A allele has an overall frequency of less than 0.01% (1/106160). This variant was not reported in population based cohorts in the following databases: NHLBI Exome Sequencing Project (ESP) and 1000 Genomes Project. In the ESP, this variant was not observed in 6503 samples (13006 alleles) with coverage at this position. This amino acid position is poorly conserved in available vertebrate species, and isoleucine is the reference amino acid in other vertebrate species. In addition, this alteration is predicted to be tolerated by in silico analysis. Since supporting evidence is limited at this time, the clinical significance of this alteration remains unclear.

NM_000090.4(COL3A1):c.4378G>A (p.Val1460Ile)

Gene: COL3A1 (collagen type III alpha 1 chain; plus strand). Cytogenetic location: 2q32.2.
Variant type: single nucleotide variant.
Coding change: c.4378G>A on transcript NM_000090.4 (MANE Select); coding-DNA position 4378, G replaced by A.
Protein change: p.Val1460Ile; replaces valine 1460 with isoleucine.
Molecular consequence: missense variant.
Genome position (GRCh38, 1-based): chr2:189,011,751, G>A. VCF-style: chr2-189011751-G-A. GRCh37 (hg19) VCF-style: chr2-189876477-G-A.
Other names: short protein forms V1460I.
Identifiers: ClinVar variation 519604 (VCV000519604.18), dbSNP rs561556753, ClinGen allele CA076583.